The following is an entry in ClinVar:

ClinVar aggregate classification (germline): Benign. Review status: criteria provided, multiple submitters, no conflicts (2 of 4 stars). 2 submissions from 2 submitters: Benign (2). Last evaluated 2018-01-13.

Conditions:
Epidermolysis bullosa simplex due to plakophilin deficiency. Also called: MCGRATH SYNDROME. Identifiers: Orphanet 158668, MedGen C1858302, MONDO:0011472, OMIM 604536.

Allele frequency attached by ClinVar (database versions not stated): 1000 Genomes Project 30x 0.04325; 1000 Genomes Project 0.04393; gnomAD 0.04595 and 0.04637; TOPMed 0.04622.

Submissions (2):

Illumina Laboratory Services, Illumina
Classification: Benign for Epidermolysis bullosa simplex due to plakophilin deficiency. Last evaluated: 2018-01-13. Review status: criteria provided, single submitter. Criteria: ICSL Variant Classification Criteria 13 December 2019. Collection method: clinical testing. Allele origin: germline.
Comment: This variant was observed in the ICSL laboratory as part of a predisposition screen in an ostensibly healthy population. It had not been previously curated by ICSL or reported in the Human Gene Mutation Database (HGMD: prior to June 1st, 2018), and was therefore a candidate for classification through an automated scoring system. Utilizing variant allele frequency, disease prevalence and penetrance estimates, and inheritance mode, an automated score was calculated to assess if this variant is too frequent to cause the disease. Based on the score and internal cut-off values, a variant classified as benign is not then subjected to further curation. The score for this variant resulted in a classification of benign for this disease.

Breakthrough Genomics
Classification: Benign. Review status: criteria provided, single submitter. Criteria: ACMG Guidelines, 2015. Collection method: not provided. Allele origin: germline. Inheritance: Autosomal recessive inheritance. Affected: yes.

NM_001005337.3(PKP1):c.*192G>A

Gene: PKP1 (plakophilin 1; plus strand). Cytogenetic location: 1q32.1.
Variant type: single nucleotide variant.
Coding change: c.*192G>A on transcript NM_001005337.3 (MANE Select); 192 bases downstream of the stop codon, G replaced by A.
Molecular consequence: 3 prime UTR variant.
Genome position (GRCh38, 1-based): chr1:201,330,233, G>A. VCF-style: chr1-201330233-G-A. GRCh37 (hg19) VCF-style: chr1-201299361-G-A.
Other names: c.*192G>A (NM_000299.4).
Identifiers: ClinVar variation 294835 (VCV000294835.6), dbSNP rs114649649, ClinGen allele CA10609454.